The following is an entry in ClinVar:

ClinVar aggregate classification (germline): Uncertain significance. Review status: criteria provided, multiple submitters, no conflicts (2 of 4 stars). 3 submissions from 3 submitters: Uncertain significance (2). 1 of the submissions does not count toward it. Last evaluated 2023-11-24.

Conditions:
Retinitis pigmentosa 12 (RP12). Also called: RP WITH OR WITHOUT PPRPE; RP WITH OR WITHOUT PRESERVED PARAARTERIOLE RETINAL PIGMENT EPITHELIUM; RETINITIS PIGMENTOSA WITH OR WITHOUT PARAARTERIOLAR PRESERVATION OF RETINAL PIGMENT EPITHELIUM. Identifiers: Orphanet 791, MedGen C1838647, MONDO:0010818, OMIM 600105.
Leber congenital amaurosis 8 (LCA8). Identifiers: Orphanet 65, MedGen C3151202, MONDO:0013453, OMIM 613835.
Leber congenital amaurosis (LCA). Also called: Leber's amaurosis. Identifiers: Orphanet 65, MedGen C0339527, MeSH D057130, MONDO:0018998.

Allele frequency attached by ClinVar (database versions not stated): gnomAD exomes below 0.00001 and 0.00002; TOPMed 0.00001.
gnomAD v4.1: 29 of 1,613,988 alleles (0.0018%); highest among the groups gnomAD compares: Non-Finnish European, 0.002%; no homozygotes.

Submissions (3):

Blueprint Genetics
Classification: Uncertain significance. Last evaluated: 2023-11-24. Review status: criteria provided, single submitter. Criteria: ACMG Guidelines, 2015. Collection method: clinical testing. Allele origin: germline.

Labcorp Genetics (formerly Invitae), Labcorp
Classification: Uncertain significance for Leber congenital amaurosis 8; Retinitis pigmentosa 12. Last evaluated: 2022-07-20. Review status: criteria provided, single submitter. Criteria: Invitae Variant Classification Sherloc (09022015). Collection method: clinical testing. Allele origin: germline.
Comment: This sequence change replaces glycine, which is neutral and non-polar, with glutamic acid, which is acidic and polar, at codon 280 of the CRB1 protein (p.Gly280Glu). This variant is present in population databases (no rsID available, gnomAD 0.0009%). This variant has not been reported in the literature in individuals affected with CRB1-related conditions. ClinVar contains an entry for this variant (Variation ID: 851127). Advanced modeling of protein sequence and biophysical properties (such as structural, functional, and spatial information, amino acid conservation, physicochemical variation, residue mobility, and thermodynamic stability) performed at Invitae indicates that this missense variant is not expected to disrupt CRB1 protein function. In summary, the available evidence is currently insufficient to determine the role of this variant in disease. Therefore, it has been classified as a Variant of Uncertain Significance.

Natera, Inc.
Classification: Uncertain significance for Leber congenital amaurosis. Last evaluated: 2020-07-21. Review status: no assertion criteria provided. Collection method: clinical testing. Allele origin: germline. Not counted in ClinVar's aggregate classification.

NM_201253.3(CRB1):c.839G>A (p.Gly280Glu)

Gene: CRB1 (crumbs cell polarity complex component 1; plus strand). Cytogenetic location: 1q31.3.
Variant type: single nucleotide variant.
Coding change: c.839G>A on transcript NM_201253.3 (MANE Select); coding-DNA position 839, G replaced by A.
Protein change: p.Gly280Glu; replaces glycine 280 with glutamic acid.
Molecular consequence: missense variant. On other transcripts: non-coding transcript variant (2), intron variant (1).
Genome position (GRCh38, 1-based): chr1:197,344,467, G>A. VCF-style: chr1-197344467-G-A. GRCh37 (hg19) VCF-style: chr1-197313597-G-A.
Other names: c.632G>A, p.Gly211Glu (NM_001257965.2); c.839G>A, p.Gly280Glu (NM_001257966.2); c.653-12364G>A (NM_001193640.2); short protein forms G211E, G280E.
Identifiers: ClinVar variation 851127 (VCV000851127.6), dbSNP rs930465675, ClinGen allele CA36048421.
Genomic context (GRCh38, chr1:197,344,467, plus strand): 5'-AACTCAACACTGATGAGTGTGCCAGTCAACCTTGTCTCCATGGAGGGCTGTGTGTGGATG[G>A]AGAAAACAGGTACATTTTCTCTGGCGTTGGGTGATTGGCTTAGAACTCCCTGACCATGAA-3'
Protein context (NP_957705.1, residues 270-290): PCLHGGLCVD[Gly280Glu]ENRYSCNCTG